The following is an entry in ClinVar:

NM_130466.4(UBE3B):c.442C>T (p.Leu148Phe)

Gene: UBE3B (ubiquitin protein ligase E3B; plus strand). Cytogenetic location: 12q24.11.
Variant type: single nucleotide variant.
Coding change: c.442C>T on transcript NM_130466.4 (MANE Select); coding-DNA position 442, C replaced by T.
Protein change: p.Leu148Phe; replaces leucine 148 with phenylalanine.
Molecular consequence: missense variant.
Genome position (GRCh38, 1-based): chr12:109,486,570, C>T. VCF-style: chr12-109486570-C-T. GRCh37 (hg19) VCF-style: chr12-109924375-C-T.
Other names: c.442C>T, p.Leu148Phe (NM_001270449.2, NM_001270450.2, NM_001270451.2 and 1 more transcripts); short protein forms L148F.
Identifiers: ClinVar variation 2062537 (VCV002062537.1), dbSNP rs565231353, ClinGen allele CA6777489.
Genomic context (GRCh38, chr12:109,486,570, plus strand): 5'-CTCCTTTGGATTCAACAGATCAAGAACATTTTGTGGTACTGCTGTGATTTTCTCAAGCAG[C>T]TCAAGGTAACAAAAAAAAAAAAAAAAAAAAAAAGCAAAACCAGAAACAGTACGTATGTCA-3'
Protein context (NP_569733.2, residues 138-158): LWYCCDFLKQ[Leu148Phe]KPEILQDSRL

ClinVar aggregate classification (germline): Uncertain significance (1 of 4 stars; one submission).

Allele frequency attached by ClinVar (database versions not stated): gnomAD exomes 0.00013; 1000 Genomes Project 30x 0.00016; 1000 Genomes Project 0.00020; ExAC 0.00022; gnomAD 0.00024.
gnomAD v4.1: 145 of 983,346 alleles (0.015%); highest among the groups gnomAD compares: Admixed American, 0.089%; 1 homozygote.

Submission:

Labcorp Genetics (formerly Invitae), Labcorp
Classification: Uncertain significance. Last evaluated: 2022-08-10. Review status: criteria provided, single submitter. Criteria: Invitae Variant Classification Sherloc (09022015). Collection method: clinical testing. Allele origin: germline.
Comment: This sequence change replaces leucine, which is neutral and non-polar, with phenylalanine, which is neutral and non-polar, at codon 148 of the UBE3B protein (p.Leu148Phe). This variant is present in population databases (rs565231353, gnomAD 0.05%), including at least one homozygous and/or hemizygous individual. This variant has not been reported in the literature in individuals affected with UBE3B-related conditions. Algorithms developed to predict the effect of missense changes on protein structure and function (SIFT, PolyPhen-2, Align-GVGD) all suggest that this variant is likely to be tolerated. In summary, the available evidence is currently insufficient to determine the role of this variant in disease. Therefore, it has been classified as a Variant of Uncertain Significance.